The following is an entry in ClinVar:

NM_015404.4(WHRN):c.2060C>T (p.Pro687Leu)

Gene: WHRN (whirlin; minus strand). Cytogenetic location: 9q32.
Variant type: single nucleotide variant.
Coding change: c.2060C>T on transcript NM_015404.4 (MANE Select); coding-DNA position 2060, C replaced by T.
Protein change: p.Pro687Leu; replaces proline 687 with leucine.
Molecular consequence: missense variant.
Genome position (GRCh38, 1-based): chr9:114,406,531, G>A on the plus strand (C>T on the coding strand, the complement: WHRN is on the minus strand). VCF-style: chr9-114406531-G-A. GRCh37 (hg19) VCF-style: chr9-117168811-G-A.
Other names: c.911C>T, p.Pro304Leu (NM_001083885.3); c.2060C>T, p.Pro687Leu (NM_001173425.2); c.1007C>T, p.Pro336Leu (NM_001346890.1); short protein forms P687L, P304L, P336L.
Identifiers: ClinVar variation 180026 (VCV000180026.17), dbSNP rs534523640, ClinGen allele CA185665.
Genomic context (GRCh38, chr9:114,406,531, plus strand): 5'-GATGGGGGCAGAAGGCAGCCCCCAGCCACTGTGGCCTCTGCAGAGGGGCTTTTCAGGTGC[G>A]GGGGTGACTGGACCCGTGGGAAGGGGCCGATGGGGTGTTGGTTGACCAGGGCCAGATGGG-3'
Protein context (NP_056219.3, residues 677-697): IGPFPRVQSP[Pro687Leu]HLKSPSAEAT

ClinVar aggregate classification (germline): Uncertain significance. Review status: criteria provided, multiple submitters, no conflicts (2 of 4 stars). 5 submissions from 5 submitters: Uncertain significance (5). Last evaluated 2023-12-14.

Allele frequency attached by ClinVar (database versions not stated): gnomAD exomes 0.00007; ExAC 0.00009; TOPMed 0.00010; gnomAD 0.00014; 1000 Genomes Project 0.00020; 1000 Genomes Project 30x 0.00031.

Submissions (5):

Blueprint Genetics
Classification: Uncertain significance. Last evaluated: 2023-12-14. Review status: criteria provided, single submitter. Criteria: ACMG Guidelines, 2015. Collection method: clinical testing. Allele origin: germline.

Labcorp Genetics (formerly Invitae), Labcorp
Classification: Uncertain significance. Last evaluated: 2022-11-29. Review status: criteria provided, single submitter. Criteria: Invitae Variant Classification Sherloc (09022015). Collection method: clinical testing. Allele origin: germline.
Comment: In summary, the available evidence is currently insufficient to determine the role of this variant in disease. Therefore, it has been classified as a Variant of Uncertain Significance. Algorithms developed to predict the effect of missense changes on protein structure and function (SIFT, PolyPhen-2, Align-GVGD) all suggest that this variant is likely to be tolerated. ClinVar contains an entry for this variant (Variation ID: 180026). This variant has not been reported in the literature in individuals affected with WHRN-related conditions. This variant is present in population databases (rs534523640, gnomAD 0.04%). This sequence change replaces proline, which is neutral and non-polar, with leucine, which is neutral and non-polar, at codon 687 of the WHRN protein (p.Pro687Leu).

GeneDx
Classification: Uncertain significance. Last evaluated: 2022-04-06. Review status: criteria provided, single submitter. Criteria: GeneDx Variant Classification Process June 2021. Collection method: clinical testing. Allele origin: germline. Affected: yes.
Comment: In silico analysis supports that this missense variant does not alter protein structure/function; Has not been previously published as pathogenic or benign to our knowledge

Eurofins Ntd Llc (ga)
Classification: Uncertain significance. Last evaluated: 2018-03-20. Review status: criteria provided, single submitter. Criteria: EGL ClinVar v180209 classification definitions. Collection method: clinical testing. Allele origin: germline. Observed: 1 variant allele, 1 heterozygote.

Laboratory for Molecular Medicine, Mass General Brigham Personalized Medicine
Classification: Uncertain significance. Last evaluated: 2014-11-07. Review status: criteria provided, single submitter. Criteria: LMM Criteria. Collection method: clinical testing. Allele origin: germline. Observed: 1 variant allele.
Comment: The p.Pro687Leu variant in DFNB31 has not been previously reported in individual s with hearing loss and was absent from large population studies. Computational prediction tools and conservation analyses suggest that the p.Pro687Leu variant may not impact the protein, though this information is not predictive enough to rule out pathogenicity. In summary, the clinical significance of the p.Pro687Leu variant is uncertain.